The following is an entry in ClinVar:

NM_001165963.4(SCN1A):c.3971dup (p.Arg1325fs)

Genes: SCN1A (sodium voltage-gated channel alpha subunit 1; minus strand), LOC102724058 (uncharacterized LOC102724058; plus strand). Cytogenetic location: 2q24.3.
Variant type: Duplication.
Coding change: c.3971dup on transcript NM_001165963.4 (MANE Select); coding-DNA position 3971, one base duplicated (T; older notation c.3971dupT).
Protein change: p.Arg1325fs; shifts the reading frame from arginine 1325.
Molecular consequence: frameshift variant. On other transcripts: non-coding transcript variant (1).
Genome position (GRCh38, 1-based): chr2:166,009,750, A duplicated on the plus strand (T on the coding strand, the reverse complement: SCN1A is on the minus strand). VCF-style (leftmost placement, unchanged base first): chr2-166009749-T-TA. GRCh37 (hg19) VCF-style: chr2-166866259-T-TA.
Other names: c.3887dup, p.Arg1297fs (NM_001165964.3, NM_001353957.2, NM_001353958.2); c.3971dup, p.Arg1325fs (NM_001202435.3, NM_001353948.2); c.3938dup, p.Arg1314fs (NM_001353949.2, NM_001353950.2, NM_001353951.2 and 2 more transcripts); c.3935dup, p.Arg1313fs (NM_001353954.2, NM_001353955.2); c.3884dup, p.Arg1296fs (NM_001353960.2); c.1529dup, p.Arg511fs (NM_001353961.2); short protein forms R1313fs, R1325fs, R511fs, R1297fs, R1296fs, R1314fs.
Identifiers: ClinVar variation 569941 (VCV000569941.9), dbSNP rs1559140306, ClinGen allele CA891843002.
Genomic context (GRCh38, chr2:166,009,749, plus strand): 5'-CAATACTTCAGGTTCTTTCATTTTTCTTACCCTCATCCCTTCAAATCGAGATAAGGCTCT[T>TA]AGAGGTCTCAGAGCTCTTAGTGTCCTGAGAGATTTGATGGCTCCAAGTTCTGAGTAACCC-3'

ClinVar aggregate classification (germline): Pathogenic (1 of 4 stars; one submission).

Conditions:
Early-infantile DEE. Also called: Ohtahara syndrome; Early infantile epileptic encephalopathy; Early infantile epileptic encephalopathy with suppression bursts. Identifiers: Orphanet 1934, MedGen C0393706, MONDO:0800491.

Submission:

Labcorp Genetics (formerly Invitae), Labcorp
Classification: Pathogenic for Early-infantile DEE. Last evaluated: 2018-03-28. Review status: criteria provided, single submitter. Criteria: Invitae Variant Classification Sherloc (09022015). Collection method: clinical testing. Allele origin: germline.
Comment: For these reasons, this variant has been classified as Pathogenic. Loss-of-function variants in SCN1A are known to be pathogenic (PMID: 17347258, 18930999). This variant has been reported in an individual affected with generalized epilepsy with febrile seizures plus (PMID: 21488303). This variant has also been reported as c.3972insT. This variant is not present in population databases (ExAC no frequency). This sequence change creates a premature translational stop signal (p.Arg1325Lysfs*7) in the SCN1A gene. It is expected to result in an absent or disrupted protein product.

Literature cited by the submitters: PubMed 17347258; PubMed 18930999; PubMed 21488303.